The following is an entry in ClinVar:

NM_001244008.2(KIF1A):c.3526G>A (p.Glu1176Lys)

Gene: KIF1A (kinesin family member 1A; minus strand). Cytogenetic location: 2q37.3.
Variant type: single nucleotide variant.
Coding change: c.3526G>A on transcript NM_001244008.2 (MANE Select); coding-DNA position 3526, G replaced by A.
Protein change: p.Glu1176Lys; replaces glutamic acid 1176 with lysine.
Molecular consequence: missense variant.
Genome position (GRCh38, 1-based): chr2:240,744,000, C>T on the plus strand (G>A on the coding strand, the complement: KIF1A is on the minus strand). VCF-style: chr2-240744000-C-T. GRCh37 (hg19) VCF-style: chr2-241683417-C-T.
Other names: c.3223G>A (NM_004321.6); c.3250G>A, p.Glu1084Lys (NM_001320705.2, NM_001330289.2, NM_001379638.1); c.3325G>A, p.Glu1109Lys (NM_001330290.2, NM_001379634.1, NM_001379635.1 and 1 more transcripts); c.3601G>A, p.Glu1201Lys (NM_001379631.1); c.3475G>A, p.Glu1159Lys (NM_001379632.1); c.3499G>A, p.Glu1167Lys (NM_001379633.1, NM_001379642.1, NM_001379645.1); c.3223G>A, p.Glu1075Lys (NM_001379636.1, NM_001379639.1, NM_001379641.1 and 6 more transcripts); c.3298G>A, p.Glu1100Lys (NM_001379637.1, NM_001379648.1); and 1 more; short protein forms E1075K, E1100K, E1084K, E1159K, E1167K, E1201K, E1074K, E1109K.
Identifiers: ClinVar variation 1969702 (VCV001969702.6), dbSNP rs1461303274, ClinGen allele CA351316817.

ClinVar aggregate classification (germline): Uncertain significance. Review status: criteria provided, multiple submitters, no conflicts (2 of 4 stars). 2 submissions from 2 submitters: Uncertain significance (2). Last evaluated 2023-10-26.

Conditions:
Hereditary spastic paraplegia 30. Identifiers: Orphanet 101010, MedGen C5235139, MONDO:0012476.
Neuropathy, hereditary sensory, type 2C. Also called: Hereditary sensory and autonomic neuropathy type IIC; KIF1A-Related HSAN2 (HSAN2C). Identifiers: Orphanet 970, MedGen C3280168, MONDO:0013634, OMIM 614213.
Intellectual disability, autosomal dominant 9 (NESCAVS). Also called: NESCAV SYNDROME; KIF1A-Related Neurodevelopmental Disorder. Identifiers: Orphanet 662367, MedGen C5393830, MONDO:0013656, OMIM 614255.

Allele frequency attached by ClinVar (database versions not stated): gnomAD exomes below 0.00001; TOPMed 0.00001.

Submissions (2):

Labcorp Genetics (formerly Invitae), Labcorp
Classification: Uncertain significance for Hereditary spastic paraplegia 30; Neuropathy, hereditary sensory, type 2C; Intellectual disability, autosomal dominant 9. Last evaluated: 2023-10-26. Review status: criteria provided, single submitter. Criteria: Invitae Variant Classification Sherloc (09022015). Collection method: clinical testing. Allele origin: germline.
Comment: This sequence change replaces glutamic acid, which is acidic and polar, with lysine, which is basic and polar, at codon 1075 of the KIF1A protein (p.Glu1075Lys). This variant is not present in population databases (gnomAD no frequency). This variant has not been reported in the literature in individuals affected with KIF1A-related conditions. ClinVar contains an entry for this variant (Variation ID: 1969702). Advanced modeling of protein sequence and biophysical properties (such as structural, functional, and spatial information, amino acid conservation, physicochemical variation, residue mobility, and thermodynamic stability) performed at Invitae indicates that this missense variant is not expected to disrupt KIF1A protein function with a negative predictive value of 95%. In summary, the available evidence is currently insufficient to determine the role of this variant in disease. Therefore, it has been classified as a Variant of Uncertain Significance.

GeneDx
Classification: Uncertain significance. Last evaluated: 2023-10-16. Review status: criteria provided, single submitter. Criteria: GeneDx Variant Classification Process June 2021. Collection method: clinical testing. Allele origin: germline. Affected: yes.
Comment: Not observed at significant frequency in large population cohorts (gnomAD); In silico analysis supports that this missense variant has a deleterious effect on protein structure/function; Has not been previously published as pathogenic or benign to our knowledge